The following is an entry in ClinVar:

NM_000455.5(STK11):c.21G>A (p.Gln7=)

Gene: STK11 (serine/threonine kinase 11; plus strand). Cytogenetic location: 19p13.3.
Variant type: single nucleotide variant.
Coding change: c.21G>A on transcript NM_000455.5 (MANE Select); coding-DNA position 21, G replaced by A.
Protein change: p.Gln7=; no amino-acid change (glutamine 7 retained).
Molecular consequence: synonymous variant. On other transcripts: non-coding transcript variant (1).
Genome position (GRCh38, 1-based): chr19:1,206,934, G>A. VCF-style: chr19-1206934-G-A. GRCh37 (hg19) VCF-style: chr19-1206933-G-A.
Other names: c.21G>A, p.Gln7= (NM_001407255.1).
Identifiers: ClinVar variation 3642877 (VCV003642877.4).
Genomic context (GRCh38, chr19:1,206,934, plus strand): 5'-CTCAGGGCTGGCGGCGGGACTCCAGGACCCTGGGTCCAGCATGGAGGTGGTGGACCCGCA[G>A]CAGCTGGGCATGTTCACGGAGGGCGAGCTGATGTCGGTGGGTATGGACACGTTCATCCAC-3'
Protein context (NP_000446.1, residues 1-17): MEVVDP[Gln7=]QLGMFTEGEL

ClinVar aggregate classification (germline): Benign/Likely benign. Review status: criteria provided, multiple submitters, no conflicts (2 of 4 stars). 3 submissions from 3 submitters: Benign (1); Likely benign (2). Last evaluated 2026-04-10.

Conditions:
Hereditary cancer-predisposing syndrome. Also called: Hereditary neoplastic syndrome; Tumor predisposition; Hereditary Cancer Syndrome; Neoplastic Syndromes, Hereditary. Identifiers: Orphanet 140162, MedGen C0027672, MeSH D009386, MONDO:0015356.
Peutz-Jeghers syndrome (PJS). Also called: POLYPOSIS, HAMARTOMATOUS INTESTINAL; POLYPS-AND-SPOTS SYNDROME; Peutz-Jeghers polyposis; Periorificial lentiginosis syndrome. Identifiers: Orphanet 2869, MedGen C0031269, MeSH D010580, MONDO:0008280, OMIM 175200.

Submissions (3):

Ambry Genetics
Classification: Likely benign for Hereditary cancer-predisposing syndrome. Last evaluated: 2026-04-10. Review status: criteria provided, single submitter. Criteria: Ambry Variant Classification Scheme 2023. Collection method: clinical testing. Allele origin: germline.

Labcorp Genetics (formerly Invitae), Labcorp
Classification: Likely benign for Peutz-Jeghers syndrome. Last evaluated: 2025-09-14. Review status: criteria provided, single submitter. Criteria: Invitae Variant Classification Sherloc (09022015). Collection method: clinical testing. Allele origin: germline.

Myriad Genetics, Inc.
Classification: Benign for Peutz-Jeghers syndrome. Last evaluated: 2025-03-24. Review status: criteria provided, single submitter. Criteria: Myriad Autosomal Dominant, Autosomal Recessive and X-Linked Classification Criteria (2023). Collection method: clinical testing. Allele origin: unknown.
Comment: This variant is considered benign. This variant is a silent/synonymous amino acid change and it is not expected to impact splicing.